The following is an entry in ClinVar:

NM_201384.3(PLEC):c.13110C>T (p.Ala4370=)

Gene: PLEC (plectin; minus strand). Cytogenetic location: 8q24.3.
Variant type: single nucleotide variant.
Coding change: c.13110C>T on transcript NM_201384.3 (MANE Select); coding-DNA position 13110, C replaced by T.
Protein change: p.Ala4370=; no amino-acid change (alanine 4370 retained).
Molecular consequence: synonymous variant.
Genome position (GRCh38, 1-based): chr8:143,916,711, G>A on the plus strand (C>T on the coding strand, the complement: PLEC is on the minus strand). VCF-style: chr8-143916711-G-A. GRCh37 (hg19) VCF-style: chr8-144990879-G-A.
Other names: p.Ala4356=; c.13191C>T, p.Ala4397= (NM_000445.5); c.13068C>T, p.Ala4356= (NM_201378.4); c.13044C>T, p.Ala4348= (NM_201379.3); c.13521C>T, p.Ala4507= (NM_201380.4); c.13014C>T, p.Ala4338= (NM_201381.3); c.13110C>T, p.Ala4370= (NM_201382.4); c.13122C>T, p.Ala4374= (NM_201383.3).
Identifiers: ClinVar variation 93031 (VCV000093031.30), dbSNP rs187810163, ClinGen allele CA154416.
Genomic context (GRCh38, chr8:143,916,711, plus strand): 5'-CACCTCCAGGAAGCGCTGGCCGGCCTCGTAGTAGAGCCAGCCCTTCTTCAGGGCCTGGGC[G>A]GCCGACATCTTGGTCTTGGTGCGTGGGTCCTCGAAGCCGCAGAAGGCCTTCTGGGCCAGG-3'
Protein context (NP_958786.1, residues 4360-4380): EDPRTKTKMS[Ala4370=]AQALKKGWLY

ClinVar aggregate classification (germline): Benign/Likely benign. Review status: criteria provided, multiple submitters, no conflicts (2 of 4 stars). 11 submissions from 11 submitters: Benign (7); Likely benign (1). 3 of the submissions do not count toward it. Last evaluated 2026-02-02.

Conditions:
Junctional epidermolysis bullosa with pyloric atresia. Also called: APLASIA CUTIS CONGENITA WITH GASTROINTESTINAL ATRESIA; CARMI SYNDROME; EB-PA-ACC; Epidermolysis bullosa, junctional, with pyloric atresia and aplasia cutis congenita; Epidermolysis bullosa junctionalis with pyloric atresia; ITGB4-Related Epidermolysis Bullosa with Pyloric Atresia. Identifiers: Orphanet 79403, MedGen C5676875, MONDO:0009183, OMIM 226730.
Epidermolysis bullosa simplex, Ogna type (EBS5A). Also called: Pidermolysis bullosa simplex 5A, Ogna type; EPIDERMOLYSIS BULLOSA SIMPLEX 5A, OGNA TYPE. Identifiers: Orphanet 79401, MedGen C0432317, MONDO:0007555, OMIM 131950.
Autosomal recessive limb-girdle muscular dystrophy type 2Q (LGMDR17). Also called: MUSCULAR DYSTROPHY, LIMB-GIRDLE, AUTOSOMAL RECESSIVE 17. Identifiers: Orphanet 254361, MedGen C3150989, MONDO:0013390, OMIM 613723.
Epidermolysis bullosa simplex 5C, with pyloric atresia (EBS5C). Also called: PLEC-Related Epidermolysis Bullosa with Pyloric Atresia; Epidermolysis bullosa simplex with pyloric atresia; PLEC1-Related Epidermolysis Bullosa with Pyloric Atresia. Identifiers: Orphanet 158684, MedGen C2677349, MONDO:0012807, OMIM 612138.
Epidermolysis bullosa simplex with nail dystrophy (EBS5D). Identifiers: MedGen C4225309, MONDO:0014661, OMIM 616487.
Epidermolysis bullosa simplex 5B, with muscular dystrophy (EBS5B). Also called: EPIDERMOLYSIS BULLOSA SIMPLEX AND LIMB-GIRDLE MUSCULAR DYSTROPHY; Epidermolysis bullosa simplex with muscular dystrophy. Identifiers: Orphanet 257, MedGen C2931072, MONDO:0009181, OMIM 226670.

Allele frequency attached by ClinVar (database versions not stated): ESP Exome Variant Server 0.00080; gnomAD 0.00617 and 0.00632; ExAC 0.00895; 1000 Genomes Project 0.00919; 1000 Genomes Project 30x 0.00921; TOPMed 0.00923; gnomAD exomes 0.01231.
gnomAD v4.1: 4,919 of 1,612,880 alleles (0.3%); highest among the groups gnomAD compares: Admixed American, 7.5%; 252 homozygotes.

Submissions (11):

Labcorp Genetics (formerly Invitae), Labcorp
Classification: Benign for Autosomal recessive limb-girdle muscular dystrophy type 2Q; Epidermolysis bullosa simplex, Ogna type; Epidermolysis bullosa simplex with nail dystrophy; Epidermolysis bullosa simplex 5C, with pyloric atresia; Epidermolysis bullosa simplex 5B, with muscular dystrophy. Last evaluated: 2026-02-02. Review status: criteria provided, single submitter. Criteria: Invitae Variant Classification Sherloc (09022015). Collection method: clinical testing. Allele origin: germline.

Athena Diagnostics
Classification: Benign. Last evaluated: 2024-08-22. Review status: criteria provided, single submitter. Criteria: Athena Diagnostics Criteria. Collection method: clinical testing. Allele origin: unknown.

Fulgent Genetics
Classification: Likely benign for Epidermolysis bullosa simplex, Ogna type; Epidermolysis bullosa simplex 5B, with muscular dystrophy; Junctional epidermolysis bullosa with pyloric atresia; Epidermolysis bullosa simplex 5C, with pyloric atresia; Autosomal recessive limb-girdle muscular dystrophy type 2Q; Epidermolysis bullosa simplex with nail dystrophy. Last evaluated: 2021-11-22. Review status: criteria provided, single submitter. Criteria: ACMG Guidelines, 2015. Collection method: clinical testing. Allele origin: unknown.

Mayo Clinic Laboratories, Mayo Clinic
Classification: Benign. Last evaluated: 2018-04-04. Review status: criteria provided, single submitter. Criteria: ACMG Guidelines, 2015. Collection method: clinical testing. Allele origin: germline. Observed: 16 variant alleles.

GeneDx
Classification: Benign. Last evaluated: 2016-06-30. Review status: criteria provided, single submitter. Criteria: GeneDx Variant Classification (06012015). Collection method: clinical testing. Allele origin: germline. Affected: yes.
Comment: This variant is considered likely benign or benign based on one or more of the following criteria: it is a conservative change, it occurs at a poorly conserved position in the protein, it is predicted to be benign by multiple in silico algorithms, and/or has population frequency not consistent with disease.

Laboratory for Molecular Medicine, Mass General Brigham Personalized Medicine
Classification: Benign. Last evaluated: 2015-01-13. Review status: criteria provided, single submitter. Criteria: LMM Criteria. Collection method: clinical testing. Allele origin: germline. Observed: 1 variant allele.
Comment: p.Ala4507Ala in exon 32 of PLEC: This variant is not expected to have clinical s ignificance because it does not alter an amino acid residue and is not located w ithin the splice consensus sequence. It has been identified in 9.1% (12/132) of Mexican chromosomes from a broad population by the 1000 Genomes Project (dbSNP rs187810163).

Eurofins Ntd Llc (ga)
Classification: Benign. Last evaluated: 2014-01-23. Review status: criteria provided, single submitter. Criteria: EGL Classification Definitions 2015. Collection method: clinical testing. Allele origin: germline. Observed: 7 variant alleles, 7 heterozygotes.

Breakthrough Genomics
Classification: Benign. Review status: criteria provided, single submitter. Criteria: ACMG Guidelines, 2015. Collection method: not provided. Allele origin: germline. Inheritance: Autosomal recessive inheritance. Affected: yes.

Diagnostic Laboratory, Department of Genetics, University Medical Center Groningen
Classification: Benign. Review status: no assertion criteria provided. Collection method: clinical testing. Allele origin: germline. Affected: yes. Study: VKGL Data-share Consensus. Not counted in ClinVar's aggregate classification.

Genetic Services Laboratory, University of Chicago
Classification: Likely benign for AllHighlyPenetrant. Review status: no assertion criteria provided. Collection method: clinical testing. Allele origin: germline. Inheritance: Autosomal recessive inheritance. Not counted in ClinVar's aggregate classification.
Comment: Likely benign based on allele frequency in 1000 Genomes Project or ESP global frequency and its presence in a patient with a rare or unrelated disease phenotype. NOT Sanger confirmed.

Laboratory of Diagnostic Genome Analysis, Leiden University Medical Center (LUMC)
Classification: Likely benign. Review status: no assertion criteria provided. Collection method: clinical testing. Allele origin: germline. Affected: yes. Study: VKGL Data-share Consensus. Not counted in ClinVar's aggregate classification.